The following is an entry in ClinVar:

ClinVar aggregate classification (germline): Uncertain significance (1 of 4 stars; one submission).

Submission:

Labcorp Genetics (formerly Invitae), Labcorp
Classification: Uncertain significance. Last evaluated: 2024-03-19. Review status: criteria provided, single submitter. Criteria: Invitae Variant Classification Sherloc (09022015). Collection method: clinical testing. Allele origin: germline.
Comment: This variant, c.2953_2958dup, results in the insertion of 2 amino acid(s) of the MSH3 protein (p.Asp985_Gly986dup), but otherwise preserves the integrity of the reading frame. This variant is not present in population databases (gnomAD no frequency). This variant has not been reported in the literature in individuals affected with MSH3-related conditions. In summary, the available evidence is currently insufficient to determine the role of this variant in disease. Therefore, it has been classified as a Variant of Uncertain Significance.

NM_002439.5(MSH3):c.2953_2958dup (p.Gly986_Ile987insAspGly)

Gene: MSH3 (mutS homolog 3; plus strand). Cytogenetic location: 5q14.1.
Variant type: Duplication.
Coding change: c.2953_2958dup on transcript NM_002439.5 (MANE Select); coding-DNA positions 2953 to 2958, 6 bases duplicated (GATGGA; older notation c.2953_2958dupGATGGA).
Protein change: p.Gly986_Ile987insAspGly.
Genome position (GRCh38, 1-based): chr5:80,854,269-80,854,274, GATGGA duplicated. VCF-style (leftmost placement, unchanged base first): chr5-80854268-T-TGATGGA. GRCh37 (hg19) VCF-style: chr5-80150087-T-TGATGGA.
Identifiers: ClinVar variation 3646702 (VCV003646702.2).